The following is an entry in ClinVar:

ClinVar aggregate classification (germline): Uncertain significance (1 of 4 stars; one submission).

Conditions:
Inborn genetic diseases. Identifiers: MedGen C0950123, MeSH D030342.

gnomAD v4.1: 9 of 1,614,028 alleles (0.00056%); highest among the groups gnomAD compares: South Asian, 0.0055%; no homozygotes.

Submission:

Ambry Genetics
Classification: Uncertain significance for Inborn genetic diseases. Last evaluated: 2026-09-09. Review status: criteria provided, single submitter. Criteria: Ambry Variant Classification Scheme 2023. Collection method: clinical testing. Allele origin: germline.
Comment: The c.2440C>T (p.R814C) alteration is located in exon 8 (coding exon 7) of the BRPF1 gene. This alteration results from a C to T substitution at nucleotide position 2440, causing the arginine (R) at amino acid position 814 to be replaced by a cysteine (C). Based on data from gnomAD, the T allele has an overall frequency of <0.001% (1/250808) total alleles studied. The highest observed frequency was 0.003% (1/30614) of South Asian alleles. Based on insufficient or conflicting evidence, the clinical significance of this alteration remains unclear.

NM_001003694.2(BRPF1):c.2440C>T (p.Arg814Cys)

Gene: BRPF1 (bromodomain and PHD finger containing 1; plus strand). Cytogenetic location: 3p25.3.
Variant type: single nucleotide variant.
Coding change: c.2440C>T on transcript NM_001003694.2 (MANE Select); coding-DNA position 2440, C replaced by T.
Protein change: p.Arg814Cys; replaces arginine 814 with cysteine.
Molecular consequence: missense variant. On other transcripts: non-coding transcript variant (1).
Genome position (GRCh38, 1-based): chr3:9,743,706, C>T. VCF-style: chr3-9743706-C-T. GRCh37 (hg19) VCF-style: chr3-9785390-C-T.
Other names: c.2422C>T, p.Arg808Cys (NM_001319049.2, NM_001437892.1, NM_004634.3); c.2419C>T, p.Arg807Cys (NM_001319050.2, NM_001438342.1, NM_001438343.1 and 1 more transcripts); c.2437C>T, p.Arg813Cys (NM_001410704.1, NM_001438345.1); c.2440C>T, p.Arg814Cys (NM_001438344.1); short protein forms R808C, R814C, R807C, R813C.
Identifiers: ClinVar variation 5033476 (VCV005033476.1).